The following is an entry in ClinVar:

ClinVar aggregate classification (germline): Likely benign. Review status: criteria provided, multiple submitters, no conflicts (2 of 4 stars). 2 submissions from 2 submitters: Likely benign (2). Last evaluated 2023-10-30.

Allele frequency attached by ClinVar (database versions not stated): gnomAD exomes below 0.00001; ExAC 0.00001; TOPMed 0.00003; gnomAD 0.00004.
gnomAD v4.1: 40 of 1,568,328 alleles (0.0026%); highest among the groups gnomAD compares: Non-Finnish European, 0.0035%; no homozygotes.

Submissions (2):

Labcorp Genetics (formerly Invitae), Labcorp
Classification: Likely benign. Last evaluated: 2023-10-30. Review status: criteria provided, single submitter. Criteria: Invitae Variant Classification Sherloc (09022015). Collection method: clinical testing. Allele origin: germline.

Women's Health and Genetics/Laboratory Corporation of America, LabCorp
Classification: Likely benign. Last evaluated: 2021-04-16. Review status: criteria provided, single submitter. Criteria: LabCorp Variant Classification Summary - May 2015. Collection method: clinical testing. Allele origin: germline.
Comment: Variant summary: FAM175A c.87+8G>C alters a non-conserved nucleotide located close to a canonical splice site and therefore could affect mRNA splicing, leading to a significantly altered protein sequence. 4/4 computational tools predict no significant impact on normal splicing. However, these predictions have yet to be confirmed by functional studies. The variant allele was found at a frequency of 4.7e-06 in 213790 control chromosomes. The available data on variant occurrences in the general population are insufficient to allow any conclusion about variant significance. To our knowledge, no occurrence of c.87+8G>C in individuals affected with Hereditary Breast And Ovarian Cancer Syndrome and no experimental evidence demonstrating its impact on protein function have been reported. Co-occurrence with a pathogenic variant has been reported (BRCA1 c.2475delC, p.Asp825GlufsX21), providing supporting evidence for a benign role. One clinical diagnostic laboratory has submitted clinical-significance assessments for this variant to ClinVar after 2014 without evidence for independent evaluation and classified the variant as likely benign. Based on the evidence outlined above, the variant was classified as likely benign.

NM_139076.3(ABRAXAS1):c.87+8G>C

Genes: ABRAXAS1 (abraxas 1, BRCA1 A complex subunit; minus strand), LOC129992784 (ATAC-STARR-seq lymphoblastoid silent region 15542; plus strand). Cytogenetic location: 4q21.23.
Variant type: single nucleotide variant.
Coding change: c.87+8G>C on transcript NM_139076.3 (MANE Select); 8 bases into the intron after coding-DNA position 87, G replaced by C.
Molecular consequence: intron variant.
Genome position (GRCh38, 1-based): chr4:83,484,978, C>G on the plus strand (G>C on the coding strand, the complement: ABRAXAS1 is on the minus strand). VCF-style: chr4-83484978-C-G. GRCh37 (hg19) VCF-style: chr4-84406131-C-G.
Other names: c.-174+8G>C (NM_001345962.2).
Identifiers: ClinVar variation 700721 (VCV000700721.10), dbSNP rs760693074, ClinGen allele CA2990665.